The following is an entry in ClinVar:

ClinVar aggregate classification (germline): Likely pathogenic. Review status: criteria provided, multiple submitters, no conflicts (2 of 4 stars). 2 submissions from 2 submitters: Likely pathogenic (2). Last evaluated 2024-04-18.

Conditions:
Pontocerebellar hypoplasia type 2E. Identifiers: Orphanet 247198, MedGen C4014488, MONDO:0014370, OMIM 615851.

Submissions (2):

Fulgent Genetics
Classification: Likely pathogenic for Pontocerebellar hypoplasia type 2E. Last evaluated: 2024-04-18. Review status: criteria provided, single submitter. Criteria: ACMG Guidelines, 2015. Collection method: clinical testing. Allele origin: germline.

GeneDx
Classification: Likely pathogenic. Last evaluated: 2024-03-15. Review status: criteria provided, single submitter. Criteria: GeneDx Variant Classification Process June 2021. Collection method: clinical testing. Allele origin: germline. Affected: yes.
Comment: Frameshift variant predicted to result in protein truncation or nonsense mediated decay in a gene for which loss of function is a known mechanism of disease; Not observed at significant frequency in large population cohorts (gnomAD); Has not been previously published as pathogenic or benign to our knowledge

NM_001128159.3(VPS53):c.300_301dup (p.Gln101fs)

Gene: VPS53 (VPS53 subunit of GARP complex; minus strand). Cytogenetic location: 17p13.3.
Variant type: Duplication.
Coding change: c.300_301dup on transcript NM_001128159.3 (MANE Select); coding-DNA positions 300 to 301, 2 bases duplicated (TC; older notation c.300_301dupTC).
Protein change: p.Gln101fs; shifts the reading frame from glutamine 101.
Molecular consequence: frameshift variant. On other transcripts: 5 prime UTR variant (1), intron variant (1).
Genome position (GRCh38, 1-based): chr17:661,880-661,881, GA duplicated on the plus strand (TC on the coding strand, the reverse complement: VPS53 is on the minus strand); duplicating any 2 consecutive bases within chr17:661,880-661,882 gives the same sequence; the c. name uses the placement nearest the transcript's 3' end. VCF-style (leftmost placement, unchanged base first): chr17-661879-T-TGA. GRCh37 (hg19) VCF-style: chr17-565119-T-TGA.
Other names: c.300_301dup, p.Gln101fs (NM_001366253.2); c.-393_-392dup (NM_001366254.2); c.286-5928_286-5927dup (NM_018289.4); c.300_301dupTC (NM_001128159.2); c.300_301dup (NM_001128159.2); short protein forms Q101fs.
Identifiers: ClinVar variation 817131 (VCV000817131.4), dbSNP rs1447478732, ClinGen allele CA624300004.